The following is an entry in ClinVar:

NM_015570.4(AUTS2):c.742+2T>G

Gene: AUTS2 (activator of transcription and developmental regulator AUTS2; plus strand). Cytogenetic location: 7q11.22.
Variant type: single nucleotide variant.
Coding change: c.742+2T>G on transcript NM_015570.4 (MANE Select); the canonical splice donor site of the intron after coding-DNA position 742, T replaced by G.
Molecular consequence: splice donor variant.
Genome position (GRCh38, 1-based): chr7:70,698,622, T>G. VCF-style: chr7-70698622-T-G. GRCh37 (hg19) VCF-style: chr7-70163608-T-G.
Other names: c.742+2T>G (NM_001127231.3).
Identifiers: ClinVar variation 4292326 (VCV004292326.1).

ClinVar aggregate classification (germline): Likely pathogenic (1 of 4 stars; one submission).

Conditions:
Autism spectrum disorder due to AUTS2 deficiency (MRD26). Also called: INTELLECTUAL DEVELOPMENTAL DISORDER, AUTOSOMAL DOMINANT 26. Identifiers: Orphanet 352490, MedGen C4014435, MONDO:0014361, OMIM 615834.

Submission:

3billion
Classification: Likely pathogenic for Autism spectrum disorder due to AUTS2 deficiency. Last evaluated: 2024-09-09. Review status: criteria provided, single submitter. Criteria: ACMG Guidelines, 2015. Collection method: clinical testing. Allele origin: germline. Affected: yes.
Comment: The variant is not observed in the gnomAD v4.0.0 dataset. Predicted Consequence/Location: Canonical splice site: predicted to alter splicing and result in a loss or disruption of normal protein function. Multiple pathogenic loss-of-function variants are reported downstream of the variant. In silico tools predict the variant to alter splicing and produce an abnormal transcript [SpliceAI: 1.00 (spliceogenicity >=0.2, non-spliceogenicity <0.1)]. Therefore, this variant is classified as Likely pathogenic according to the recommendation of ACMG/AMP guideline.